The following is an entry in ClinVar:

NM_024408.4(NOTCH2):c.6173T>C (p.Ile2058Thr)

Gene: NOTCH2 (notch receptor 2; minus strand). Cytogenetic location: 1p12.
Variant type: single nucleotide variant.
Coding change: c.6173T>C on transcript NM_024408.4 (MANE Select); coding-DNA position 6173, T replaced by C.
Protein change: p.Ile2058Thr; replaces isoleucine 2058 with threonine.
Molecular consequence: missense variant.
Genome position (GRCh38, 1-based): chr1:119,916,549, A>G on the plus strand (T>C on the coding strand, the complement: NOTCH2 is on the minus strand). VCF-style: chr1-119916549-A-G. GRCh37 (hg19) VCF-style: chr1-120459172-A-G.
Other names: short protein forms I2058T.
Identifiers: ClinVar variation 2847516 (VCV002847516.3), dbSNP rs749007765, ClinGen allele CA1039471.

ClinVar aggregate classification (germline): Uncertain significance (1 of 4 stars; one submission).

Conditions:
Hajdu-Cheney syndrome (HJCYS). Also called: SERPENTINE FIBULA-POLYCYSTIC KIDNEY SYNDROME; ACROOSTEOLYSIS WITH OSTEOPOROSIS AND CHANGES IN SKULL AND MANDIBLE; Acroosteolysis dominant type. Identifiers: Orphanet 955, MedGen C0917715, MONDO:0007057, OMIM 102500.

Allele frequency attached by ClinVar (database versions not stated): gnomAD exomes below 0.00001; TOPMed below 0.00001; ExAC 0.00001; gnomAD 0.00001.

Submission:

Labcorp Genetics (formerly Invitae), Labcorp
Classification: Uncertain significance for Hajdu-Cheney syndrome. Last evaluated: 2023-03-19. Review status: criteria provided, single submitter. Criteria: Invitae Variant Classification Sherloc (09022015). Collection method: clinical testing. Allele origin: germline.
Comment: In summary, the available evidence is currently insufficient to determine the role of this variant in disease. Therefore, it has been classified as a Variant of Uncertain Significance. Advanced modeling of protein sequence and biophysical properties (such as structural, functional, and spatial information, amino acid conservation, physicochemical variation, residue mobility, and thermodynamic stability) has been performed at Invitae for this missense variant, however the output from this modeling did not meet the statistical confidence thresholds required to predict the impact of this variant on NOTCH2 protein function. This variant has not been reported in the literature in individuals affected with NOTCH2-related conditions. This variant is present in population databases (rs749007765, gnomAD 0.0009%). This sequence change replaces isoleucine, which is neutral and non-polar, with threonine, which is neutral and polar, at codon 2058 of the NOTCH2 protein (p.Ile2058Thr).